The following is an entry in ClinVar:

NM_001080449.3(DNA2):c.831T>C (p.Asp277=)

Gene: DNA2 (DNA replication helicase/nuclease 2; minus strand). Cytogenetic location: 10q21.3.
Variant type: single nucleotide variant.
Coding change: c.831T>C on transcript NM_001080449.3 (MANE Select); coding-DNA position 831, T replaced by C.
Protein change: p.Asp277=; no amino-acid change (aspartic acid 277 retained).
Molecular consequence: synonymous variant. On other transcripts: non-coding transcript variant (1).
Genome position (GRCh38, 1-based): chr10:68,450,136, A>G on the plus strand (T>C on the coding strand, the complement: DNA2 is on the minus strand). VCF-style: chr10-68450136-A-G. GRCh37 (hg19) VCF-style: chr10-70209893-A-G.
Other names: c.831T>C (NM_001080449.2).
Identifiers: ClinVar variation 1971425 (VCV001971425.7), dbSNP rs577649991, ClinGen allele CA5525201.

ClinVar aggregate classification (germline): Likely benign. Review status: criteria provided, single submitter (1 of 4 stars). 2 submissions from 2 submitters: Likely benign (1). 1 of the submissions does not count toward it. Last evaluated 2022-12-07.

Conditions:
DNA2-related disorder. Also called: DNA2-related condition.

Allele frequency attached by ClinVar (database versions not stated): gnomAD exomes below 0.00001; ExAC 0.00001; gnomAD 0.00003; TOPMed 0.00004; 1000 Genomes Project 30x 0.00016; 1000 Genomes Project 0.00020.
gnomAD v4.1: 6 of 1,608,030 alleles (0.00037%); highest among the groups gnomAD compares: African/African-American, 0.008%; no homozygotes.

Submissions (2):

Labcorp Genetics (formerly Invitae), Labcorp
Classification: Likely benign. Last evaluated: 2022-12-07. Review status: criteria provided, single submitter. Criteria: Invitae Variant Classification Sherloc (09022015). Collection method: clinical testing. Allele origin: germline.

PreventionGenetics, part of Exact Sciences
Classification: Likely benign for DNA2-related condition. Last evaluated: 2020-08-10. Review status: no assertion criteria provided. Collection method: clinical testing. Allele origin: germline. Not counted in ClinVar's aggregate classification.
Comment: This variant is classified as likely benign based on ACMG/AMP sequence variant interpretation guidelines (Richards et al. 2015 PMID: 25741868, with internal and published modifications).